The following is an entry in ClinVar:

ClinVar aggregate classification (germline): Likely pathogenic (1 of 4 stars; one submission).

Conditions:
Cystic leukoencephalopathy without megalencephaly. Identifiers: Orphanet 85136, MedGen C2751843, MONDO:0013058, OMIM 612951.

Submission:

Diagnostics Services (NGS), CSIR - Centre For Cellular And Molecular Biology
Classification: Likely pathogenic for Cystic leukoencephalopathy without megalencephaly. Last evaluated: 2026-08-17. Review status: criteria provided, single submitter. Criteria: ACMG Guidelines, 2015. Collection method: clinical testing. Allele origin: germline. Observed: 1 variant allele, 1 homozygote.
Comment: A ~1.532 kbp homozygous deletion encompassing exons 8-9 region of RNASET2 gene (transcript ID: NM_003730.6). The full deletion region is not present in the publicly available population databases (for CNV) like 1000 Genomes. Overlapping bigger and smaller regions are present in gnomAD and DGV. Overlapping bigger deletions in this region have been previously reported to clinical databases like DECIPHER and ClinVar as 'Pathogenic / Likely Pathogenic / Uncertain significance' by multiple submitters. Intragenic homozygous deletions in other regions of RNASET2 gene have been previously reported in affected individuals [PMID: 19525954].

Literature cited by the submitters: PubMed 19525954.

NM_003730.6(RNASET2):c.493_*1del280 (p.Val165fs)

Gene: RNASET2 (ribonuclease T2; minus strand). Cytogenetic location: 6q27.
Variant type: Deletion.
Coding change: c.493_*1del280 on transcript NM_003730.6 (MANE Select); coding-DNA position 493 through 1 bases downstream of the stop codon, 1,532 bases deleted.
Protein change: p.Val165fs; shifts the reading frame from valine 165.
Molecular consequence: frameshift variant, splice acceptor variant, splice donor variant.
Genome position (GRCh38, 1-based): chr6:166,929,586-166,931,117, 1,532 bases deleted. GRCh37 (hg19): chr6:167,343,075-167,344,606.
Other names: short protein forms V165fs.
Identifiers: ClinVar variation 4974971 (VCV004974971.1).